The following is an entry in ClinVar:

ClinVar aggregate classification (germline): Pathogenic (1 of 4 stars; one submission).

Conditions:
Primary ciliary dyskinesia. Also called: Ciliary dyskinesia. Identifiers: Orphanet 244, MedGen C0008780, MONDO:0016575, HP:0012265.

Submission:

Labcorp Genetics (formerly Invitae), Labcorp
Classification: Pathogenic for Primary ciliary dyskinesia. Last evaluated: 2023-04-22. Review status: criteria provided, single submitter. Criteria: Invitae Variant Classification Sherloc (09022015). Collection method: clinical testing. Allele origin: germline.
Comment: For these reasons, this variant has been classified as Pathogenic. This variant has not been reported in the literature in individuals affected with DNAH11-related conditions. This variant is not present in population databases (gnomAD no frequency). This sequence change creates a premature translational stop signal (p.Arg2222Glufs*14) in the DNAH11 gene. It is expected to result in an absent or disrupted protein product. Loss-of-function variants in DNAH11 are known to be pathogenic (PMID: 18022865, 20513915, 22184204).

Literature cited by the submitters: PubMed 18022865; PubMed 20513915; PubMed 22184204.

NM_001277115.2(DNAH11):c.6664del (p.Arg2222fs)

Gene: DNAH11 (dynein axonemal heavy chain 11; plus strand). Cytogenetic location: 7p15.3.
Variant type: Deletion.
Coding change: c.6664del on transcript NM_001277115.2 (MANE Select); coding-DNA position 6664, one base deleted (C; older notation c.6664delC).
Protein change: p.Arg2222fs; shifts the reading frame from arginine 2222.
Molecular consequence: frameshift variant.
Genome position (GRCh38, 1-based): chr7:21,707,816, C deleted; the last of 3 consecutive C bases (chr7:21,707,814-21,707,816); deleting any one gives the same sequence. VCF-style (leftmost placement, unchanged base first): chr7-21707813-AC-A. GRCh37 (hg19) VCF-style: chr7-21747431-AC-A.
Other names: c.6685delC, p.Arg2229Glufs (NM_003777.3); short protein forms R2222fs.
Identifiers: ClinVar variation 2858199 (VCV002858199.3), dbSNP rs2534977169, ClinGen allele CA2739266329.